The following is an entry in ClinVar:

ClinVar aggregate classification (germline): Uncertain significance (1 of 4 stars; one submission).

Submission:

Labcorp Genetics (formerly Invitae), Labcorp
Classification: Uncertain significance. Last evaluated: 2025-04-14. Review status: criteria provided, single submitter. Criteria: Invitae Variant Classification Sherloc (09022015). Collection method: clinical testing. Allele origin: germline.
Comment: This sequence change creates a premature translational stop signal (p.His360Metfs*51) in the GALNT12 gene. It is expected to result in an absent or disrupted protein product. However, the current clinical and genetic evidence is not sufficient to establish whether loss-of-function variants in GALNT12 cause disease. This variant is present in population databases (no rsID available, gnomAD 0.0009%). This variant has not been reported in the literature in individuals affected with GALNT12-related conditions. ClinVar contains an entry for this variant (Variation ID: 2905360). In summary, the available evidence is currently insufficient to determine the role of this variant in disease. Therefore, it has been classified as a Variant of Uncertain Significance.

NM_024642.5(GALNT12):c.1078del (p.His360fs)

Gene: GALNT12 (polypeptide N-acetylgalactosaminyltransferase 12; plus strand). Cytogenetic location: 9q22.33.
Variant type: Deletion.
Coding change: c.1078del on transcript NM_024642.5 (MANE Select); coding-DNA position 1078, one base deleted (C; older notation c.1078delC).
Protein change: p.His360fs; shifts the reading frame from histidine 360.
Molecular consequence: frameshift variant.
Genome position (GRCh38, 1-based): chr9:98,837,014, C deleted; the last of 3 consecutive C bases (chr9:98,837,012-98,837,014); deleting any one gives the same sequence. VCF-style (leftmost placement, unchanged base first): chr9-98837011-TC-T. GRCh37 (hg19) VCF-style: chr9-101599293-TC-T.
Other names: c.1078del (NM_024642.4); short protein forms H360fs.
Identifiers: ClinVar variation 2905360 (VCV002905360.4), dbSNP rs1337071048, ClinGen allele CA589583121.